The following is an entry in ClinVar:

ClinVar aggregate classification (germline): Uncertain significance. Review status: criteria provided, multiple submitters, no conflicts (2 of 4 stars). 2 submissions from 2 submitters: Uncertain significance (2). Last evaluated 2026-01-25.

Conditions:
Familial cancer of breast. Also called: BREAST CANCER, FAMILIAL; Hereditary breast cancer; hereditary breast carcinoma. Identifiers: Orphanet 227535, MedGen C0346153, MONDO:0016419, OMIM 114480. Disease mechanism: loss of function.
Hereditary cancer-predisposing syndrome. Also called: Tumor predisposition; Hereditary neoplastic syndrome; Neoplastic Syndromes, Hereditary; Hereditary Cancer Syndrome. Identifiers: Orphanet 140162, MedGen C0027672, MeSH D009386, MONDO:0015356.

Submissions (3):

Labcorp Genetics (formerly Invitae), Labcorp
Classification: Uncertain significance for Familial cancer of breast. Last evaluated: 2026-01-25. Review status: criteria provided, single submitter. Criteria: Invitae Variant Classification Sherloc (09022015). Collection method: clinical testing. Allele origin: germline.
Comment: This sequence change falls in intron 10 of the BARD1 gene. It does not directly change the encoded amino acid sequence of the BARD1 protein. It affects a nucleotide within the consensus splice site. This variant is not present in population databases (gnomAD no frequency). This variant has not been reported in the literature in individuals affected with BARD1-related conditions. ClinVar contains an entry for this variant (Variation ID: 951659). Variants that disrupt the consensus splice site are a relatively common cause of aberrant splicing (PMID: 17576681, 9536098). Algorithms developed to predict the effect of sequence changes on RNA splicing suggest that this variant is not likely to affect RNA splicing. In summary, the available evidence is currently insufficient to determine the role of this variant in disease. Therefore, it has been classified as a Variant of Uncertain Significance.

Ambry Genetics
Classification: Uncertain significance for Hereditary cancer-predisposing syndrome. Last evaluated: 2025-09-26. Review status: criteria provided, single submitter. Criteria: Ambry Variant Classification Scheme 2023. Collection method: clinical testing. Allele origin: germline.
Comment: The c.2002-3C>T intronic variant results from a C to T substitution 3 nucleotides upstream from coding exon 11 in the BARD1 gene. This nucleotide position is not well conserved in available vertebrate species. In silico splice site analysis predicts that this alteration will not have any significant effect on splicing. Based on the available evidence, the clinical significance of this variant remains unclear.

Dr. Peter K. Rogan Lab, Western University
No classification provided (evidence only). Condition: Familial cancer of breast. Review status: no classification provided. Collection method: in vitro. Allele origin: not applicable. Functional consequence: retained intron. Not counted in ClinVar's aggregate classification.

Literature cited by the submitters: PubMed 17576681 (cited by Labcorp Genetics (formerly Invitae), Labcorp); PubMed 9536098 (cited by Labcorp Genetics (formerly Invitae), Labcorp).

NM_000465.4(BARD1):c.2002-3C>T

Gene: BARD1 (BRCA1 associated RING domain 1; minus strand). Cytogenetic location: 2q35.
Variant type: single nucleotide variant.
Coding change: c.2002-3C>T on transcript NM_000465.4 (MANE Select); 3 bases into the intron before coding-DNA position 2002, C replaced by T.
Molecular consequence: intron variant.
Genome position (GRCh38, 1-based): chr2:214,729,011, G>A on the plus strand (C>T on the coding strand, the complement: BARD1 is on the minus strand). VCF-style: chr2-214729011-G-A. GRCh37 (hg19) VCF-style: chr2-215593735-G-A.
Other names: c.2002-3C>T (NM_000465.2); c.592-3C>T (NM_001282548.2); c.1945-3C>T (NM_001282543.2); c.649-3C>T (NM_001282545.2); c.463-3C>T (NM_001282549.2).
Identifiers: ClinVar variation 951659 (VCV000951659.12), dbSNP rs1692231658, ClinGen allele CA1139657671.